The following is an entry in ClinVar:

ClinVar aggregate classification (germline): Conflicting classifications of pathogenicity. Review status: criteria provided, conflicting classifications (1 of 4 stars). 2 submissions from 2 submitters: Uncertain significance (1); Likely benign (1). Last evaluated 2023-12-13.

Conditions:
Inborn genetic diseases. Identifiers: MedGen C0950123, MeSH D030342.

Allele frequency attached by ClinVar (database versions not stated): ExAC 0.00001; gnomAD exomes 0.00001; gnomAD 0.00004 and 0.00005; TOPMed 0.00004.
gnomAD v4.1: 37 of 1,613,874 alleles (0.0023%); highest among the groups gnomAD compares: African/African-American, 0.021%; no homozygotes.

Submissions (2):

Ambry Genetics
Classification: Likely benign for Inborn genetic diseases. Last evaluated: 2023-12-13. Review status: criteria provided, single submitter. Criteria: Ambry Variant Classification Scheme 2023. Collection method: clinical testing. Allele origin: germline.

Labcorp Genetics (formerly Invitae), Labcorp
Classification: Uncertain significance. Last evaluated: 2021-08-12. Review status: criteria provided, single submitter. Criteria: Invitae Variant Classification Sherloc (09022015). Collection method: clinical testing. Allele origin: germline.
Comment: This sequence change replaces arginine with cysteine at codon 264 of the CEP152 protein (p.Arg264Cys). The arginine residue is moderately conserved and there is a large physicochemical difference between arginine and cysteine. This variant is present in population databases (rs146482586, ExAC 0.01%). This variant has not been reported in the literature in individuals affected with CEP152-related conditions. Algorithms developed to predict the effect of missense changes on protein structure and function output the following: SIFT: "Deleterious"; PolyPhen-2: "Probably Damaging"; Align-GVGD: "Class C0". The cysteine amino acid residue is found in multiple mammalian species, which suggests that this missense change does not adversely affect protein function. In summary, the available evidence is currently insufficient to determine the role of this variant in disease. Therefore, it has been classified as a Variant of Uncertain Significance.

NM_001194998.2(CEP152):c.790C>T (p.Arg264Cys)

Gene: CEP152 (centrosomal protein 152; minus strand). Cytogenetic location: 15q21.1.
Variant type: single nucleotide variant.
Coding change: c.790C>T on transcript NM_001194998.2 (MANE Select); coding-DNA position 790, C replaced by T.
Protein change: p.Arg264Cys; replaces arginine 264 with cysteine.
Molecular consequence: missense variant.
Genome position (GRCh38, 1-based): chr15:48,793,363, G>A on the plus strand (C>T on the coding strand, the complement: CEP152 is on the minus strand). VCF-style: chr15-48793363-G-A. GRCh37 (hg19) VCF-style: chr15-49085560-G-A.
Other names: c.790C>T, p.Arg264Cys (NM_014985.4); c.790C>T (NM_014985.3); short protein forms R264C.
Identifiers: ClinVar variation 1392072 (VCV001392072.4), dbSNP rs146482586, ClinGen allele CA7549035.